The following is an entry in ClinVar:

ClinVar aggregate classification (germline): Benign/Likely benign. Review status: criteria provided, multiple submitters, no conflicts (2 of 4 stars). 14 submissions from 14 submitters: Benign (10); Likely benign (3). 1 of the submissions does not count toward it. Last evaluated 2026-09-01.

Conditions:
RYR2-related disorder. Also called: RYR2-related condition.
Cardiovascular phenotype. Identifiers: MedGen CN230736.
Cardiomyopathy (CMYO). Also called: Cardiomyopathies. Identifiers: Orphanet 167848, MedGen C0878544, MONDO:0004994, HP:0001638. Inheritance: Various modes of inheritance.
Catecholaminergic polymorphic ventricular tachycardia 1. Also called: RYR2-Related Catecholaminergic Polymorphic Ventricular Tachycardia; VENTRICULAR TACHYCARDIA, STRESS-INDUCED POLYMORPHIC 1; VENTRICULAR TACHYCARDIA, CATECHOLAMINERGIC POLYMORPHIC, 1, WITH OR WITHOUT ATRIAL DYSFUNCTION AND/OR DILATED CARDIOMYOPATHY. Identifiers: Orphanet 3286, MedGen C1631597, MONDO:0011484, OMIM 604772.
Catecholaminergic polymorphic ventricular tachycardia (CVPT). Also called: Catecholamine-induced polymorphic ventricular tachycardia. Identifiers: Orphanet 3286, MedGen C5574922, MONDO:0017990.

Allele frequency attached by ClinVar (database versions not stated): 1000 Genomes Project 0.00180; ESP Exome Variant Server 0.00229; gnomAD exomes 0.00062; 1000 Genomes Project 30x 0.00250; ExAC 0.00081; gnomAD 0.00256 and 0.00282; TOPMed 0.00295.
gnomAD v4.1: 674 of 1,576,954 alleles (0.043%); highest among the groups gnomAD compares: African/African-American, 0.82%; 4 homozygotes.

Submissions (14):

CeGaT Center for Human Genetics Tuebingen
Classification: Likely benign. Last evaluated: 2026-09-01. Review status: criteria provided, single submitter. Criteria: CeGaT Center For Human Genetics Tuebingen Variant Classification Criteria Version 2. Collection method: clinical testing. Allele origin: germline. Affected: yes. Observed: 2 variant alleles.
Comment: RYR2: BP4, BP7, BS1

Molecular Diagnostic Laboratory for Inherited Cardiovascular Disease, Montreal Heart Institute
Classification: Likely benign. Last evaluated: 2026-03-27. Review status: criteria provided, single submitter. Criteria: ACMG Guidelines, 2015. Collection method: clinical testing. Allele origin: germline. Affected: no.
Comment: BS1;BP7

Labcorp Genetics (formerly Invitae), Labcorp
Classification: Benign for Catecholaminergic polymorphic ventricular tachycardia 1. Last evaluated: 2026-02-01. Review status: criteria provided, single submitter. Criteria: Invitae Variant Classification Sherloc (09022015). Collection method: clinical testing. Allele origin: germline.

Blueprint Genetics
Classification: Likely benign. Last evaluated: 2024-07-17. Review status: criteria provided, single submitter. Criteria: ACMG Guidelines, 2015. Collection method: clinical testing. Allele origin: germline.

All of Us Research Program, National Institutes of Health
Classification: Benign for Catecholaminergic polymorphic ventricular tachycardia. Last evaluated: 2024-02-05. Review status: criteria provided, single submitter. Criteria: ACMG Guidelines, 2015. Collection method: clinical testing. Allele origin: germline. Inheritance: Autosomal dominant inheritance. Observed: 160 variant alleles, 160 heterozygotes.
Comment: This study involves interpretation of variants in research participants for the purpose of population health screening. Participant phenotype was not available at the time of variant classification. Additional details can be found in publication PMID: 35346344, PMCID: PMC8962531

Mayo Clinic Laboratories, Mayo Clinic
Classification: Benign. Last evaluated: 2023-12-13. Review status: criteria provided, single submitter. Criteria: ACMG Guidelines, 2015. Collection method: clinical testing. Allele origin: germline. Observed: 4 variant alleles.
Comment: BA1, BP4, BP7

Color Diagnostics, LLC DBA Color Health
Classification: Benign for Cardiomyopathy. Last evaluated: 2018-06-18. Review status: criteria provided, single submitter. Criteria: ACMG Guidelines, 2015. Collection method: clinical testing. Allele origin: germline.

Eurofins Ntd Llc (ga)
Classification: Benign. Last evaluated: 2016-12-29. Review status: criteria provided, single submitter. Criteria: EGL Classification Definitions 2015. Collection method: clinical testing. Allele origin: germline. Observed: 1 variant allele, 1 heterozygote.

Women's Health and Genetics/Laboratory Corporation of America, LabCorp
Classification: Benign. Last evaluated: 2016-09-26. Review status: criteria provided, single submitter. Criteria: LabCorp Variant Classification Summary - May 2015. Collection method: clinical testing. Allele origin: germline.
Comment: Variant summary: The RYR2 c.3849A>G (p.Leu1283Leu) variant causes a synonymous change involving a non-conserved nucleotide with 4/5 splice prediction tools predict no significant impact on normal splicing, although these predictions have yet to be functionally assessed. The variant of interest was observed in the large, broad control population, ExAC, with an allele frequency of 90/110716 (1/1230), which significantly exceeds the estimated maximal expected allele frequency for a pathogenic RYR2 variant of 1/40000, suggesting this variant is likely a benign polymorphism. The variant of interest has not, to our knowledge, been reported in affected individuals via publications, however, a clinical diagnostic laboratory cites the variant as "benign." Therefore, the variant of interest has been classified as Benign.

Ambry Genetics
Classification: Benign for Cardiovascular phenotype. Last evaluated: 2016-06-08. Review status: criteria provided, single submitter. Criteria: Ambry Variant Classification Scheme 2023. Collection method: clinical testing. Allele origin: germline.

GeneDx
Classification: Benign. Last evaluated: 2015-03-03. Review status: criteria provided, single submitter. Criteria: GeneDx Variant Classification Process June 2021. Collection method: clinical testing. Allele origin: germline. Affected: yes.

Laboratory for Molecular Medicine, Mass General Brigham Personalized Medicine
Classification: Benign. Last evaluated: 2012-03-19. Review status: criteria provided, single submitter. Criteria: LMM Criteria. Collection method: clinical testing. Allele origin: germline. Observed: 5 variant alleles.
Comment: p.Leu1283Leu in Exon 31 of RYR2: This variant is not expected to have clinical s ignificance because it does not alter an amino acid residue, is not located with in the splice consensus sequence and has been identified in 0.8% (26/3214) of Af rican American chromosomes from a broad population by the NHLBI Exome Sequencing Project (dbSNP rs143603583).

Breakthrough Genomics
Classification: Benign. Review status: criteria provided, single submitter. Criteria: ACMG Guidelines, 2015. Collection method: not provided. Allele origin: germline. Inheritance: Autosomal dominant inheritance. Affected: yes.

PreventionGenetics, part of Exact Sciences
Classification: Benign for RYR2-related condition. Last evaluated: 2019-07-15. Review status: no assertion criteria provided. Collection method: clinical testing. Allele origin: germline. Not counted in ClinVar's aggregate classification.
Comment: This variant is classified as benign based on ACMG/AMP sequence variant interpretation guidelines (Richards et al. 2015 PMID: 25741868, with internal and published modifications).

NM_001035.3(RYR2):c.3849A>G (p.Leu1283=)

Genes: RYR2 (ryanodine receptor 2; plus strand), LOC126806067 (BRD4-independent group 4 enhancer GRCh37_chr1:237753258-237754457; plus strand). Cytogenetic location: 1q43.
Variant type: single nucleotide variant.
Coding change: c.3849A>G on transcript NM_001035.3 (MANE Select); coding-DNA position 3849, A replaced by G.
Protein change: p.Leu1283=; no amino-acid change (leucine 1283 retained).
Molecular consequence: synonymous variant.
Genome position (GRCh38, 1-based): chr1:237,590,681, A>G. VCF-style: chr1-237590681-A-G. GRCh37 (hg19) VCF-style: chr1-237753981-A-G.
Other names: p.Leu1283=.
Identifiers: ClinVar variation 43777 (VCV000043777.76), dbSNP rs143603583, ClinGen allele CA009373.